The following is an entry in ClinVar:

NM_024105.4(ALG12):c.403G>A (p.Ala135Thr)

Gene: ALG12 (ALG12 alpha-1,6-mannosyltransferase; minus strand). Cytogenetic location: 22q13.33.
Variant type: single nucleotide variant.
Coding change: c.403G>A on transcript NM_024105.4 (MANE Select); coding-DNA position 403, G replaced by A.
Protein change: p.Ala135Thr; replaces alanine 135 with threonine.
Molecular consequence: missense variant.
Genome position (GRCh38, 1-based): chr22:49,910,500, C>T on the plus strand (G>A on the coding strand, the complement: ALG12 is on the minus strand). VCF-style: chr22-49910500-C-T. GRCh37 (hg19) VCF-style: chr22-50304148-C-T.
Other names: c.403G>A (NM_024105.3); short protein forms A135T.
Identifiers: ClinVar variation 1508652 (VCV001508652.9), dbSNP rs761571791, ClinGen allele CA10300632.

ClinVar aggregate classification (germline): Uncertain significance. Review status: criteria provided, multiple submitters, no conflicts (2 of 4 stars). 2 submissions from 2 submitters: Uncertain significance (2). Last evaluated 2025-11-17.

Conditions:
Inborn genetic diseases. Identifiers: MedGen C0950123, MeSH D030342.
ALG12-congenital disorder of glycosylation (CDG1G). Also called: Congenital disorder of glycosylation, type Ig; CDG Ig; ALG12-CDG. Identifiers: Orphanet 79324, MedGen C2931001, MONDO:0011783, OMIM 607143.

Allele frequency attached by ClinVar (database versions not stated): gnomAD exomes 0.00002 and 0.00006; ExAC 0.00003; TOPMed 0.00003; gnomAD 0.00006.
gnomAD v4.1: 94 of 1,613,892 alleles (0.0058%); highest among the groups gnomAD compares: Non-Finnish European, 0.0077%; no homozygotes.

Submissions (2):

Ambry Genetics
Classification: Uncertain significance for Inborn genetic diseases. Last evaluated: 2025-11-17. Review status: criteria provided, single submitter. Criteria: Ambry Variant Classification Scheme 2023. Collection method: clinical testing. Allele origin: germline.

Labcorp Genetics (formerly Invitae), Labcorp
Classification: Uncertain significance for ALG12-congenital disorder of glycosylation. Last evaluated: 2024-10-21. Review status: criteria provided, single submitter. Criteria: Invitae Variant Classification Sherloc (09022015). Collection method: clinical testing. Allele origin: germline.
Comment: This sequence change replaces alanine, which is neutral and non-polar, with threonine, which is neutral and polar, at codon 135 of the ALG12 protein (p.Ala135Thr). This variant is present in population databases (rs761571791, gnomAD 0.007%). This variant has not been reported in the literature in individuals affected with ALG12-related conditions. ClinVar contains an entry for this variant (Variation ID: 1508652). Invitae Evidence Modeling of protein sequence and biophysical properties (such as structural, functional, and spatial information, amino acid conservation, physicochemical variation, residue mobility, and thermodynamic stability) indicates that this missense variant is not expected to disrupt ALG12 protein function with a negative predictive value of 80%. In summary, the available evidence is currently insufficient to determine the role of this variant in disease. Therefore, it has been classified as a Variant of Uncertain Significance.